The following is an entry in ClinVar:

ClinVar aggregate classification (germline): Uncertain significance (1 of 4 stars; one submission).

Conditions:
Hereditary sensory and autonomic neuropathy type 6. Also called: HSAN VI; Neuropathy, hereditary sensory and autonomic, type VI. Identifiers: Orphanet 314381, MedGen C3539003, MONDO:0013839, OMIM 614653.
Epidermolysis bullosa simplex 3, localized or generalized intermediate, with BP230 deficiency (EBS3). Also called: Epidermolysis bullosa simplex due to BP230 deficiency; Epidermolysis bullosa simplex, autosomal recessive 2. Identifiers: Orphanet 412181, MedGen C3809470, MONDO:0014180, OMIM 615425.

Submission:

Labcorp Genetics (formerly Invitae), Labcorp
Classification: Uncertain significance for Epidermolysis bullosa simplex 3, localized or generalized intermediate, with BP230 deficiency; Hereditary sensory and autonomic neuropathy type 6. Last evaluated: 2024-06-05. Review status: criteria provided, single submitter. Criteria: Invitae Variant Classification Sherloc (09022015). Collection method: clinical testing. Allele origin: germline.
Comment: This sequence change replaces lysine, which is basic and polar, with methionine, which is neutral and non-polar, at codon 1111 of the DST protein (p.Lys1111Met). This variant is not present in population databases (gnomAD no frequency). This variant has not been reported in the literature in individuals affected with DST-related conditions. An algorithm developed to predict the effect of missense changes on protein structure and function (PolyPhen-2) suggests that this variant is likely to be disruptive. In summary, the available evidence is currently insufficient to determine the role of this variant in disease. Therefore, it has been classified as a Variant of Uncertain Significance.

NM_001723.7(DST):c.3332A>T (p.Lys1111Met)

Gene: DST (dystonin; minus strand). Cytogenetic location: 6p12.1.
Variant type: single nucleotide variant.
Coding change: c.3332A>T on transcript NM_001723.7 (MANE Plus Clinical); coding-DNA position 3332, A replaced by T.
Protein change: p.Lys1111Met; replaces lysine 1111 with methionine.
Molecular consequence: missense variant. On other transcripts: intron variant (10).
Genome position (GRCh38, 1-based): chr6:56,620,702, T>A on the plus strand (A>T on the coding strand, the complement: DST is on the minus strand). VCF-style: chr6-56620702-T-A. GRCh37 (hg19) VCF-style: chr6-56485500-T-A.
Other names: c.4830+3828A>T (NM_001144769.5); c.4929+3828A>T (NM_001374722.1, NM_001374736.1); c.4956+3828A>T (NM_001374734.1); c.4416+3828A>T (NM_001144770.2); c.4296+3828A>T (NM_001374730.1, NM_001386100.1, NM_183380.4 and 1 more transcripts); c.3318+3828A>T (NM_015548.5); short protein forms K1111M.
Identifiers: ClinVar variation 3756684 (VCV003756684.2).